The following is an entry in ClinVar:

ClinVar aggregate classification (germline): Likely benign (1 of 4 stars; one submission).

Submission:

GeneDx
Classification: Likely benign. Last evaluated: 2018-06-14. Review status: criteria provided, single submitter. Criteria: GeneDx Variant Classification (06012015). Collection method: clinical testing. Allele origin: germline. Affected: yes.
Comment: This variant is considered likely benign or benign based on one or more of the following criteria: it is a conservative change, it occurs at a poorly conserved position in the protein, it is predicted to be benign by multiple in silico algorithms, and/or has population frequency not consistent with disease.

NM_003239.5(TGFB3):c.926+147_926+148del

Gene: TGFB3 (transforming growth factor beta 3; minus strand). Cytogenetic location: 14q24.3.
Variant type: Microsatellite.
Coding change: c.926+147_926+148del on transcript NM_003239.5 (MANE Select); bases 147 to 148 of the intron after coding-DNA position 926, 2 bases deleted (CA; older notation c.926+147_926+148delCA).
Molecular consequence: intron variant. On other transcripts: 3 prime UTR variant (1).
Genome position (GRCh38, 1-based): chr14:75,963,168-75,963,169, TG deleted on the plus strand (CA on the coding strand, the reverse complement: TGFB3 is on the minus strand); deleting any 2 consecutive bases within chr14:75,963,168-75,963,171 gives the same sequence; the c. name uses the placement nearest the transcript's 3' end. VCF-style (leftmost placement, unchanged base first): chr14-75963167-CTG-C. GRCh37 (hg19) VCF-style: chr14-76429510-CTG-C.
Other names: c.*141CA[1] (NM_001329938.2); c.926+147_926+148del (NM_001329939.2).
Identifiers: ClinVar variation 675430 (VCV000675430.1), dbSNP rs199778146, ClinGen allele CA263702972.